The following is an entry in ClinVar:

NM_000051.4(ATM):c.649A>C (p.Ile217Leu)

Gene: ATM (ATM serine/threonine kinase; plus strand). Cytogenetic location: 11q22.3.
Variant type: single nucleotide variant.
Coding change: c.649A>C on transcript NM_000051.4 (MANE Select); coding-DNA position 649, A replaced by C.
Protein change: p.Ile217Leu; replaces isoleucine 217 with leucine.
Molecular consequence: missense variant.
Genome position (GRCh38, 1-based): chr11:108,244,105, A>C. VCF-style: chr11-108244105-A-C. GRCh37 (hg19) VCF-style: chr11-108114832-A-C.
Other names: c.649A>C, p.Ile217Leu (NM_001351834.2); short protein forms I217L.
Identifiers: ClinVar variation 841385 (VCV000841385.10), dbSNP rs547045780, ClinGen allele CA382528529.

ClinVar aggregate classification (germline): Uncertain significance. Review status: criteria provided, multiple submitters, no conflicts (2 of 4 stars). 2 submissions from 2 submitters: Uncertain significance (2). Last evaluated 2022-01-06.

Conditions:
Hereditary cancer-predisposing syndrome. Also called: Neoplastic Syndromes, Hereditary; Hereditary neoplastic syndrome; Tumor predisposition; Hereditary Cancer Syndrome. Identifiers: Orphanet 140162, MedGen C0027672, MeSH D009386, MONDO:0015356.
Ataxia-telangiectasia syndrome (AT). Also called: Ataxia-telangiectasia, complementation group D; AT, COMPLEMENTATION GROUP C; Ataxia telangiectasia (A-T); Cerebello-oculocutaneous telangiectasia; Immunodeficiency with ataxia telangiectasia; Ataxia-telangiectasia. Identifiers: Orphanet 100, MedGen C0004135, MONDO:0008840, OMIM 208900.

Submissions (2):

Labcorp Genetics (formerly Invitae), Labcorp
Classification: Uncertain significance for Ataxia-telangiectasia syndrome. Last evaluated: 2022-01-06. Review status: criteria provided, single submitter. Criteria: Invitae Variant Classification Sherloc (09022015). Collection method: clinical testing. Allele origin: germline.
Comment: In summary, the available evidence is currently insufficient to determine the role of this variant in disease. Therefore, it has been classified as a Variant of Uncertain Significance. Advanced modeling of protein sequence and biophysical properties (such as structural, functional, and spatial information, amino acid conservation, physicochemical variation, residue mobility, and thermodynamic stability) performed at Invitae indicates that this missense variant is not expected to disrupt ATM protein function. ClinVar contains an entry for this variant (Variation ID: 841385). This variant has not been reported in the literature in individuals affected with ATM-related conditions. This variant is not present in population databases (gnomAD no frequency). This sequence change replaces isoleucine, which is neutral and non-polar, with leucine, which is neutral and non-polar, at codon 217 of the ATM protein (p.Ile217Leu).

Ambry Genetics
Classification: Uncertain significance for Hereditary cancer-predisposing syndrome. Last evaluated: 2021-10-18. Review status: criteria provided, single submitter. Criteria: Ambry Variant Classification Scheme 2023. Collection method: clinical testing. Allele origin: germline.
Comment: The p.I217L variant (also known as c.649A>C), located in coding exon 5 of the ATM gene, results from an A to C substitution at nucleotide position 649. The isoleucine at codon 217 is replaced by leucine, an amino acid with highly similar properties. This amino acid position is conserved. In addition, this alteration is predicted to be tolerated by in silico analysis. Since supporting evidence is limited at this time, the clinical significance of this alteration remains unclear.